The following is an entry in ClinVar:

ClinVar aggregate classification (germline): Benign (1 of 4 stars; one submission).

Submission:

Unidad de Genómica Garrahan, Hospital de Pediatría Garrahan
Classification: Benign. Last evaluated: 2023-11-12. Review status: criteria provided, single submitter. Criteria: ACMG Guidelines, 2015. Collection method: clinical testing. Allele origin: germline. Affected: no. Observed: 21 variant alleles.
Comment: This variant is classified as Benign based on local population frequency. This variant was detected in 22% of patients studied by a panel of primary immunodeficiencies. Number of patients: 21. Only high quality variants are reported.

NM_006254.4(PRKCD):c.315+34_315+35insCGTG

Gene: PRKCD (protein kinase C delta; plus strand). Cytogenetic location: 3p21.1.
Variant type: Insertion.
Coding change: c.315+34_315+35insCGTG on transcript NM_006254.4 (MANE Select); bases 34 to 35 of the intron after coding-DNA position 315, CGTG inserted.
Molecular consequence: intron variant.
Genome position: GRCh38 VCF-style: chr3-53179807-T-TGTGC. GRCh37 (hg19) VCF-style: chr3-53213823-T-TGTGC.
Other names: c.315+34_315+35insCGTG (NM_001354680.2, NM_001354679.2, NM_212539.2 and 1 more transcripts); c.372+34_372+35insCGTG (NM_001354676.2); c.363+34_363+35insCGTG (NM_001354678.2).
Identifiers: ClinVar variation 2628293 (VCV002628293.2), dbSNP rs2107257817, ClinGen allele CA2666107743.